The following is an entry in ClinVar:

ClinVar aggregate classification (germline): Likely benign. Review status: criteria provided, multiple submitters, no conflicts (2 of 4 stars). 3 submissions from 3 submitters: Likely benign (3). Last evaluated 2025-05-01.

Conditions:
Autosomal dominant nonsyndromic hearing loss 20. Identifiers: Orphanet 90635, MedGen C1858172, MONDO:0011480, OMIM 604717.
Baraitser-winter syndrome 2. Identifiers: Orphanet 2995, MedGen C3281235, MONDO:0013812, OMIM 614583.

Allele frequency attached by ClinVar (database versions not stated): ExAC 0.00001; gnomAD 0.00004; TOPMed 0.00006.
gnomAD v4.1: 38 of 1,613,934 alleles (0.0024%); highest among the groups gnomAD compares: Middle Eastern, 0.016%; no homozygotes.

Submissions (3):

CeGaT Center for Human Genetics Tuebingen
Classification: Likely benign. Last evaluated: 2025-05-01. Review status: criteria provided, single submitter. Criteria: CeGaT Center For Human Genetics Tuebingen Variant Classification Criteria Version 2. Collection method: clinical testing. Allele origin: germline. Affected: yes. Observed: 5 variant alleles.
Comment: ACTG1: BP4, BP7

Blueprint Genetics
Classification: Likely benign. Last evaluated: 2024-06-19. Review status: criteria provided, single submitter. Criteria: ACMG Guidelines, 2015. Collection method: clinical testing. Allele origin: germline.

Labcorp Genetics (formerly Invitae), Labcorp
Classification: Likely benign for Baraitser-winter syndrome 2; Autosomal dominant nonsyndromic hearing loss 20. Last evaluated: 2024-01-08. Review status: criteria provided, single submitter. Criteria: Invitae Variant Classification Sherloc (09022015). Collection method: clinical testing. Allele origin: germline.

NM_001614.5(ACTG1):c.1089C>T (p.Asp363=)

Gene: ACTG1 (actin gamma 1; minus strand). Cytogenetic location: 17q25.3.
Variant type: single nucleotide variant.
Coding change: c.1089C>T on transcript NM_001614.5 (MANE Select); coding-DNA position 1089, C replaced by T.
Protein change: p.Asp363=; no amino-acid change (aspartic acid 363 retained).
Molecular consequence: synonymous variant. On other transcripts: non-coding transcript variant (1).
Genome position (GRCh38, 1-based): chr17:81,510,729, G>A on the plus strand (C>T on the coding strand, the complement: ACTG1 is on the minus strand). VCF-style: chr17-81510729-G-A. GRCh37 (hg19) VCF-style: chr17-79477755-G-A.
Other names: c.1089C>T, p.Asp363= (NM_001199954.3).
Identifiers: ClinVar variation 2648457 (VCV002648457.28), dbSNP rs782444955, ClinGen allele CA8835827.